The following is an entry in ClinVar:

NM_000651.6(CR1):c.5652G>A (p.Met1884Ile)

Gene: CR1 (complement C3b/C4b receptor 1 (Knops blood group); plus strand). Cytogenetic location: 1q32.2.
Variant type: single nucleotide variant.
Coding change: c.5652G>A on transcript NM_000651.6 (MANE Select); coding-DNA position 5652, G replaced by A.
Protein change: p.Met1884Ile; replaces methionine 1884 with isoleucine.
Molecular consequence: missense variant.
Genome position (GRCh38, 1-based): chr1:207,587,507, G>A. VCF-style: chr1-207587507-G-A. GRCh37 (hg19) VCF-style: chr1-207760852-G-A.
Other names: c.4302G>A, p.Met1434Ile (NM_000573.4, NM_001381851.1); short protein forms M1434I, M1884I.
Identifiers: ClinVar variation 2440534 (VCV002440534.26), dbSNP rs140566582, ClinGen allele CA1370228.
Genomic context (GRCh38, chr1:207,587,507, plus strand): 5'-TGAGTTTCCAGTCGGGACATCTTTGAATTATGAATGCCGTCCTGGGTATTTTGGGAAAAT[G>A]TTCTCTATCTCCTGCCTAGAAAACTTGGTCTGGTCAAGTGTTGAAGACAACTGTAGACGT-3'
Protein context (NP_000642.3, residues 1874-1894): YECRPGYFGK[Met1884Ile]FSISCLENLV

ClinVar aggregate classification (germline): Conflicting classifications of pathogenicity. Review status: criteria provided, conflicting classifications (1 of 4 stars). 2 submissions from 2 submitters: Uncertain significance (1); Likely benign (1). Last evaluated 2023-11-01.

Conditions:
KNOPS BLOOD GROUP SYSTEM (KN). Identifiers: MedGen C1292327, OMIM 607486.

Allele frequency attached by ClinVar (database versions not stated): gnomAD exomes 0.00052; gnomAD 0.00058; 1000 Genomes Project 0.00060; 1000 Genomes Project 30x 0.00062; ExAC 0.00065; TOPMed 0.00066; ESP Exome Variant Server 0.00101.

Submissions (2):

CeGaT Center for Human Genetics Tuebingen
Classification: Likely benign. Last evaluated: 2023-11-01. Review status: criteria provided, single submitter. Criteria: CeGaT Center For Human Genetics Tuebingen Variant Classification Criteria Version 2. Collection method: clinical testing. Allele origin: germline. Affected: yes. Observed: 1 variant allele.
Comment: CR1: BP4

Revvity Omics, Revvity
Classification: Uncertain significance for KNOPS BLOOD GROUP SYSTEM. Last evaluated: 2019-12-12. Review status: criteria provided, single submitter. Criteria: ACMG Guidelines, 2015. Collection method: clinical testing. Allele origin: germline.